The following is an entry in ClinVar:

ClinVar aggregate classification (germline): Uncertain significance (1 of 4 stars; one submission).

Conditions:
OTUD7A-related disorder. Also called: OTUD7A-related condition.

Submission:

PreventionGenetics, part of Exact Sciences
Classification: Uncertain significance for OTUD7A-related condition. Last evaluated: 2023-04-11. Review status: criteria provided, single submitter. Criteria: ACMG Guidelines, 2015. Collection method: clinical testing. Allele origin: germline.
Comment: The OTUD7A c.2003_2021del19 variant is predicted to result in a frameshift and protein elongation (p.Glu668Alafs*306). To our knowledge, this variant has not been reported in the literature or in a large population database (gnomAD), indicating this variant is rare. At this time, the clinical significance of this variant is uncertain due to the absence of conclusive functional and genetic evidence.

NM_001382637.1(OTUD7A):c.2024_2042del (p.Glu675fs)

Gene: OTUD7A (OTU deubiquitinase 7A; minus strand). Cytogenetic location: 15q13.3.
Variant type: Deletion.
Coding change: c.2024_2042del on transcript NM_001382637.1 (MANE Select); coding-DNA positions 2024 to 2042, 19 bases deleted (AGCAGGAGCAGCGGCGCCG).
Protein change: p.Glu675fs; shifts the reading frame from glutamic acid 675.
Molecular consequence: frameshift variant.
Genome position (GRCh38, 1-based): chr15:31,484,054-31,484,072, CGGCGCCGCTGCTCCTGCT deleted on the plus strand (AGCAGGAGCAGCGGCGCCG on the coding strand, the reverse complement: OTUD7A is on the minus strand); deleting any 19 consecutive bases within chr15:31,484,054-31,484,078 gives the same sequence; the c. name uses the placement nearest the transcript's 3' end. VCF-style (leftmost placement, unchanged base first): chr15-31484053-GCGGCGCCGCTGCTCCTGCT-G. GRCh37 (hg19) VCF-style: chr15-31776256-GCGGCGCCGCTGCTCCTGCT-G.
Other names: c.2003_2021del, p.Glu668fs (NM_130901.3); short protein forms E668fs, E675fs.
Identifiers: ClinVar variation 2633607 (VCV002633607.2), dbSNP rs2504429029, ClinGen allele CA2695197239.